The following is an entry in ClinVar:

ClinVar aggregate classification (germline): Uncertain significance. Review status: criteria provided, multiple submitters, no conflicts (2 of 4 stars). 2 submissions from 2 submitters: Uncertain significance (2). Last evaluated 2025-12-02.

Conditions:
Inborn genetic diseases. Identifiers: MedGen C0950123, MeSH D030342.
Polycystic kidney disease 8. Identifiers: MedGen C5935640, MONDO:0971178, OMIM 620903.

gnomAD v4.1: 5 of 1,614,174 alleles (0.00031%); highest among the groups gnomAD compares: Non-Finnish European, 0.00042%; no homozygotes.

Submissions (2):

Victorian Clinical Genetics Services, Murdoch Childrens Research Institute
Classification: Uncertain significance for Polycystic kidney disease 8. Last evaluated: 2025-12-02. Review status: criteria provided, single submitter. Criteria: ACMG Guidelines, 2015. Collection method: clinical testing. Allele origin: germline. Affected: yes.
Comment: This variant is classified as VUS-3A. Evidence in support of pathogenic classification: Variant is present in gnomAD <0.01 (v4: 5 heterozygote(s), 0 homozygote(s)); Missense variant predicted to be damaging by in silico tool(s) or highly conserved with a major amino acid change. Additional information: Variant is predicted to result in a missense amino acid change from Cys to Tyr; This variant is heterozygous; This gene is associated with both recessive and dominant disease. All variant types have been reported in recessive disease. The emerging dominant association has only been reported in individuals with missense variants (PMID: 26967905, PanelApp); Alternative amino acid change(s) at the same position are present in gnomAD (highest allele count: v4: 1 heterozygote(s), 0 homozygote(s)). - Previous evidence of pathogenicity for this variant is inconclusive. This variant has been classified as a VUS by a clinical laboratory in ClinVar; No published evidence of segregation with disease has been identified for this variant; No published functional evidence has been identified for this variant; No comparable missense variants have previous evidence for pathogenicity; Variant is located in the annotated protein kinase domain (DECIPHER). - Loss of function is a known mechanism of disease and is associated with renal-hepatic-pancreatic dysplasia 2 (MIM#615415) and nephronophthisis 9 (MIM#613824). Gain of function is also a suggested mechanism of disease for these disorders. Dominant negative is a suggested mechanism of polycystic kidney disease 8 (MIM#620903); Inheritance information for this variant is not currently available in this individual.

Ambry Genetics
Classification: Uncertain significance for Inborn genetic diseases. Last evaluated: 2024-12-03. Review status: criteria provided, single submitter. Criteria: Ambry Variant Classification Scheme 2023. Collection method: clinical testing. Allele origin: germline.

Literature cited by the submitters: PubMed 26967905 (cited by Victorian Clinical Genetics Services, Murdoch Childrens Research Institute).

NM_178170.3(NEK8):c.62G>A (p.Cys21Tyr)

Gene: NEK8 (NIMA related kinase 8; plus strand). Cytogenetic location: 17q11.2.
Variant type: single nucleotide variant.
Coding change: c.62G>A on transcript NM_178170.3 (MANE Select); coding-DNA position 62, G replaced by A.
Protein change: p.Cys21Tyr; replaces cysteine 21 with tyrosine.
Molecular consequence: missense variant.
Genome position (GRCh38, 1-based): chr17:28,733,997, G>A. VCF-style: chr17-28733997-G-A. GRCh37 (hg19) VCF-style: chr17-27061015-G-A.
Other names: short protein forms C21Y.
Identifiers: ClinVar variation 3404238 (VCV003404238.2).